The following is an entry in ClinVar:

NM_015559.3(SETBP1):c.2932C>A (p.His978Asn)

Gene: SETBP1 (SET binding protein 1; plus strand). Cytogenetic location: 18q12.3.
Variant type: single nucleotide variant.
Coding change: c.2932C>A on transcript NM_015559.3 (MANE Select); coding-DNA position 2932, C replaced by A.
Protein change: p.His978Asn; replaces histidine 978 with asparagine.
Molecular consequence: missense variant.
Genome position (GRCh38, 1-based): chr18:44,952,272, C>A. VCF-style: chr18-44952272-C-A. GRCh37 (hg19) VCF-style: chr18-42532237-C-A.
Other names: c.2932C>A, p.His978Asn (NM_001379141.1, NM_001379142.1, NM_001410862.1); short protein forms H978N.
Identifiers: ClinVar variation 4746652 (VCV004746652.1).

ClinVar aggregate classification (germline): Uncertain significance (1 of 4 stars; one submission).

Submission:

Labcorp Genetics (formerly Invitae), Labcorp
Classification: Uncertain significance. Last evaluated: 2025-07-27. Review status: criteria provided, single submitter. Criteria: Invitae Variant Classification Sherloc (09022015). Collection method: clinical testing. Allele origin: germline.
Comment: This sequence change replaces histidine, which is basic and polar, with asparagine, which is neutral and polar, at codon 978 of the SETBP1 protein (p.His978Asn). This variant is not present in population databases (gnomAD no frequency). This variant has not been reported in the literature in individuals affected with SETBP1-related conditions. Invitae Evidence Modeling of protein sequence and biophysical properties (such as structural, functional, and spatial information, amino acid conservation, physicochemical variation, residue mobility, and thermodynamic stability) indicates that this missense variant is not expected to disrupt SETBP1 protein function with a negative predictive value of 80%. In summary, the available evidence is currently insufficient to determine the role of this variant in disease. Therefore, it has been classified as a Variant of Uncertain Significance.